The following is an entry in ClinVar:

NM_007103.4(NDUFV1):c.767G>A (p.Arg256His)

Gene: NDUFV1 (NADH:ubiquinone oxidoreductase core subunit V1; plus strand). Cytogenetic location: 11q13.2.
Variant type: single nucleotide variant.
Coding change: c.767G>A on transcript NM_007103.4 (MANE Select); coding-DNA position 767, G replaced by A.
Protein change: p.Arg256His; replaces arginine 256 with histidine.
Molecular consequence: missense variant.
Genome position (GRCh38, 1-based): chr11:67,611,061, G>A. VCF-style: chr11-67611061-G-A. GRCh37 (hg19) VCF-style: chr11-67378532-G-A.
Other names: c.740G>A, p.Arg247His (NM_001166102.2); short protein forms R247H, R256H.
Identifiers: ClinVar variation 2105263 (VCV002105263.1), dbSNP rs779402114, ClinGen allele CA6143283.

ClinVar aggregate classification (germline): Uncertain significance (1 of 4 stars; one submission).

Allele frequency attached by ClinVar (database versions not stated): TOPMed below 0.00001; ExAC 0.00001; gnomAD exomes 0.00001.
gnomAD v4.1: 15 of 1,614,228 alleles (0.00093%); highest among the groups gnomAD compares: South Asian, 0.0033%; no homozygotes.

Submission:

Labcorp Genetics (formerly Invitae), Labcorp
Classification: Uncertain significance. Last evaluated: 2022-05-06. Review status: criteria provided, single submitter. Criteria: Invitae Variant Classification Sherloc (09022015). Collection method: clinical testing. Allele origin: germline.
Comment: This sequence change replaces arginine, which is basic and polar, with histidine, which is basic and polar, at codon 256 of the NDUFV1 protein (p.Arg256His). This variant is present in population databases (rs779402114, gnomAD 0.003%). This variant has not been reported in the literature in individuals affected with NDUFV1-related conditions. Advanced modeling of protein sequence and biophysical properties (such as structural, functional, and spatial information, amino acid conservation, physicochemical variation, residue mobility, and thermodynamic stability) performed at Invitae indicates that this missense variant is expected to disrupt NDUFV1 protein function. In summary, the available evidence is currently insufficient to determine the role of this variant in disease. Therefore, it has been classified as a Variant of Uncertain Significance.